The following is an entry in ClinVar:

NM_001244008.2(KIF1A):c.3064-79G>A

Gene: KIF1A (kinesin family member 1A; minus strand). Cytogenetic location: 2q37.3.
Variant type: single nucleotide variant.
Coding change: c.3064-79G>A on transcript NM_001244008.2 (MANE Select); 79 bases into the intron before coding-DNA position 3064, G replaced by A.
Molecular consequence: intron variant.
Genome position (GRCh38, 1-based): chr2:240,746,256, C>T on the plus strand (G>A on the coding strand, the complement: KIF1A is on the minus strand). VCF-style: chr2-240746256-C-T. GRCh37 (hg19) VCF-style: chr2-241685673-C-T.
Other names: c.2761-79G>A (NM_001379653.1, NM_001379650.1, NM_001379640.1 and 6 more transcripts); c.3037-79G>A (NM_001379645.1, NM_001379633.1, NM_001379642.1); c.2863-79G>A (NM_001379635.1, NM_001330290.2, NM_001379646.1 and 1 more transcripts); c.3013-79G>A (NM_001379632.1); c.2836-79G>A (NM_001379637.1, NM_001379648.1); c.2788-79G>A (NM_001320705.2, NM_001379638.1, NM_001330289.2); c.3139-79G>A (NM_001379631.1).
Identifiers: ClinVar variation 672931 (VCV000672931.2), dbSNP rs60213439, ClinGen allele CA11142910.

ClinVar aggregate classification (germline): Benign. Review status: criteria provided, multiple submitters, no conflicts (2 of 4 stars). 2 submissions from 2 submitters: Benign (2). Last evaluated 2018-06-19.

Allele frequency attached by ClinVar (database versions not stated): 1000 Genomes Project 30x 0.02733; 1000 Genomes Project 0.02756; TOPMed 0.03709; gnomAD 0.03821 and 0.03897.
gnomAD v4.1: 73,959 of 1,505,226 alleles (4.9%); highest among the groups gnomAD compares: Non-Finnish European, 5.5%; 1,959 homozygotes.

Submissions (2):

GeneDx
Classification: Benign. Last evaluated: 2018-06-19. Review status: criteria provided, single submitter. Criteria: GeneDx Variant Classification (06012015). Collection method: clinical testing. Allele origin: germline. Affected: yes.
Comment: This variant is considered likely benign or benign based on one or more of the following criteria: it is a conservative change, it occurs at a poorly conserved position in the protein, it is predicted to be benign by multiple in silico algorithms, and/or has population frequency not consistent with disease.

Breakthrough Genomics
Classification: Benign. Review status: criteria provided, single submitter. Criteria: ACMG Guidelines, 2015. Collection method: not provided. Allele origin: germline. Inheritance: Autosomal recessive inheritance. Affected: yes.